The following is an entry in ClinVar:

ClinVar aggregate classification (germline): Pathogenic. Review status: criteria provided, multiple submitters, no conflicts (2 of 4 stars). 4 submissions from 4 submitters: Pathogenic (4). Last evaluated 2025-03-20.

Conditions:
Deficiency of alpha-mannosidase (MANSA). Also called: Mannosidosis, alpha-, types I and II; Alpha-Mannosidosis; LYSOSOMAL ALPHA-D-MANNOSIDASE DEFICIENCY. Identifiers: Orphanet 61, MedGen C0024748, MONDO:0009561, OMIM 248500.

Submissions (4):

Natera, Inc.
Classification: Pathogenic for Alpha-mannosidosis. Last evaluated: 2025-03-20. Review status: criteria provided, single submitter. Criteria: Natera Variant Classification Schema (03/2026). Collection method: clinical testing. Allele origin: germline.
Comment: The c.783C>A variant in MAN2B1 is a nonsense variant predicted to introduce a stop codon at amino acid 261. This variant is expected to result in nonsense mediated decay, truncation, or a dysfunctional protein product. This variant is rare in the general population with a frequency below the threshold expected for the associated phenotype(s). This variant has been observed in one or more individuals affected with the associated recessive disease, as either homozygous or compound heterozygous with a second variant (PMID: 22161967). Given the available evidence, this variant is classified as Pathogenic.

Labcorp Genetics (formerly Invitae), Labcorp
Classification: Pathogenic for Deficiency of alpha-mannosidase. Last evaluated: 2023-10-26. Review status: criteria provided, single submitter. Criteria: Invitae Variant Classification Sherloc (09022015). Collection method: clinical testing. Allele origin: germline.
Comment: This sequence change creates a premature translational stop signal (p.Tyr261*) in the MAN2B1 gene. It is expected to result in an absent or disrupted protein product. Loss-of-function variants in MAN2B1 are known to be pathogenic (PMID: 9915946, 22161967). This variant is not present in population databases (gnomAD no frequency). This premature translational stop signal has been observed in individual(s) with Alpha-mannosidosis (PMID: 22161967). ClinVar contains an entry for this variant (Variation ID: 977716). For these reasons, this variant has been classified as Pathogenic.

Genome-Nilou Lab
Classification: Pathogenic for Deficiency of alpha-mannosidase. Last evaluated: 2021-09-05. Review status: criteria provided, single submitter. Criteria: ACMG Guidelines, 2015. Collection method: clinical testing. Allele origin: germline. Affected: no.

Women's Health and Genetics/Laboratory Corporation of America, LabCorp
Classification: Pathogenic for Deficiency of alpha-mannosidase. Last evaluated: 2020-08-17. Review status: criteria provided, single submitter. Criteria: LabCorp Variant Classification Summary - May 2015. Collection method: clinical testing. Allele origin: germline.
Comment: Variant summary: MAN2B1 c.783C>A (p.Tyr261X) results in a premature termination codon, predicted to cause a truncation of the encoded protein or absence of the protein due to nonsense mediated decay, which are commonly known mechanisms for disease. Truncations downstream of this position have been classified as pathogenic by our laboratory. The variant was absent in 251224 control chromosomes. c.783C>A has been reported in the literature in at-least one homozygous individual affected with Alpha-Mannosidosis and also subsequently cited by others (example, Rise Stensland_2012, Borgwardt_2015). The diagnosis was established based on a deficiency of acid alpha-mannosidase activity in leukocytes or serum although the primary data was not provided. These data indicate that the variant is likely to be associated with disease. To our knowledge, no other experimental evidence demonstrating an impact on protein function has been reported. No clinical diagnostic laboratories have submitted clinical-significance assessments for this variant to ClinVar after 2014. Based on the evidence outlined above, the variant was classified as pathogenic.

Literature cited by the submitters: PubMed 22161967 (cited by 3 submitters); PubMed 9915946 (cited by Labcorp Genetics (formerly Invitae), Labcorp); PubMed 26048034 (cited by Women's Health and Genetics/Laboratory Corporation of America, LabCorp).

NM_000528.4(MAN2B1):c.783C>A (p.Tyr261Ter)

Gene: MAN2B1 (mannosidase alpha class 2B member 1; minus strand). Cytogenetic location: 19p13.13.
Variant type: single nucleotide variant.
Coding change: c.783C>A on transcript NM_000528.4 (MANE Select); coding-DNA position 783, C replaced by A.
Protein change: p.Tyr261Ter; replaces tyrosine 261 with a stop codon.
Molecular consequence: nonsense.
Genome position (GRCh38, 1-based): chr19:12,663,443, G>T on the plus strand (C>A on the coding strand, the complement: MAN2B1 is on the minus strand). VCF-style: chr19-12663443-G-T. GRCh37 (hg19) VCF-style: chr19-12774257-G-T.
Other names: c.783C>A, p.Tyr261Ter (NM_001173498.2); short protein forms Y261*.
Identifiers: ClinVar variation 977716 (VCV000977716.7), dbSNP rs2024155693, ClinGen allele CA404252342.